The following is an entry in ClinVar:

ClinVar aggregate classification (germline): Uncertain significance (1 of 4 stars; one submission).

Conditions:
Charcot-Marie-Tooth disease, type I (CMT1). Also called: Charcot-Marie-Tooth, Type 1; Charcot-Marie-Tooth disease type 1. Identifiers: Orphanet 65753, MedGen C0751036, MONDO:0019011.

Allele frequency attached by ClinVar (database versions not stated): gnomAD exomes below 0.00001.
gnomAD v4.1: 1 of 1,613,908 alleles (0.000062%); highest among the groups gnomAD compares: Non-Finnish European, 0.000085%; no homozygotes.

Submission:

Labcorp Genetics (formerly Invitae), Labcorp
Classification: Uncertain significance for Charcot-Marie-Tooth disease, type I. Last evaluated: 2021-12-14. Review status: criteria provided, single submitter. Criteria: Invitae Variant Classification Sherloc (09022015). Collection method: clinical testing. Allele origin: germline.
Comment: This variant is not present in population databases (gnomAD no frequency). This variant has not been reported in the literature in individuals affected with MPZ-related conditions. ClinVar contains an entry for this variant (Variation ID: 963646). Algorithms developed to predict the effect of missense changes on protein structure and function (SIFT, PolyPhen-2, Align-GVGD) all suggest that this variant is likely to be tolerated. In summary, the available evidence is currently insufficient to determine the role of this variant in disease. Therefore, it has been classified as a Variant of Uncertain Significance. This sequence change replaces valine, which is neutral and non-polar, with glycine, which is neutral and non-polar, at codon 136 of the MPZ protein (p.Val136Gly).

NM_000530.8(MPZ):c.407T>G (p.Val136Gly)

Gene: MPZ (myelin protein zero; minus strand). Cytogenetic location: 1q23.3.
Variant type: single nucleotide variant.
Coding change: c.407T>G on transcript NM_000530.8 (MANE Select); coding-DNA position 407, T replaced by G.
Protein change: p.Val136Gly; replaces valine 136 with glycine.
Molecular consequence: missense variant.
Genome position (GRCh38, 1-based): chr1:161,306,749, A>C on the plus strand (T>G on the coding strand, the complement: MPZ is on the minus strand). VCF-style: chr1-161306749-A-C. GRCh37 (hg19) VCF-style: chr1-161276539-A-C.
Other names: c.407T>G, p.Val136Gly (NM_001315491.2); short protein forms V136G.
Identifiers: ClinVar variation 963646 (VCV000963646.7), dbSNP rs1571818744, ClinGen allele CA343348596.